The following is an entry in ClinVar:

NM_001042492.3(NF1):c.1356A>C (p.Gln452His)

Gene: NF1 (neurofibromin 1; plus strand). Cytogenetic location: 17q11.2.
Variant type: single nucleotide variant.
Coding change: c.1356A>C on transcript NM_001042492.3 (MANE Select); coding-DNA position 1356, A replaced by C.
Protein change: p.Gln452His; replaces glutamine 452 with histidine.
Molecular consequence: missense variant.
Genome position (GRCh38, 1-based): chr17:31,206,335, A>C. VCF-style: chr17-31206335-A-C. GRCh37 (hg19) VCF-style: chr17-29533353-A-C.
Other names: c.1356A>C, p.Gln452His (NM_000267.4, NM_001128147.3); short protein forms Q452H.
Identifiers: ClinVar variation 480174 (VCV000480174.11), dbSNP rs1324833228, ClinGen allele CA398999664.

ClinVar aggregate classification (germline): Uncertain significance. Review status: criteria provided, multiple submitters, no conflicts (2 of 4 stars). 3 submissions from 3 submitters: Uncertain significance (3). Last evaluated 2022-03-15.

Conditions:
Cardiovascular phenotype. Identifiers: MedGen CN230736.
Hereditary cancer-predisposing syndrome. Also called: Hereditary neoplastic syndrome; Neoplastic Syndromes, Hereditary; Tumor predisposition; Hereditary Cancer Syndrome. Identifiers: Orphanet 140162, MedGen C0027672, MeSH D009386, MONDO:0015356.
Neurofibromatosis, type 1 (NF1). Also called: VON RECKLINGHAUSEN DISEASE; Peripheral type neurofibromatosis; NEUROFIBROMATOSIS, TYPE I, SOMATIC; Neurofibromatosis, type I. Identifiers: Orphanet 636, MedGen C0027831, MONDO:0018975, OMIM 162200. Disease mechanism: loss of function.

Submissions (3):

Genome-Nilou Lab
Classification: Uncertain significance for Neurofibromatosis, type 1. Last evaluated: 2022-03-15. Review status: criteria provided, single submitter. Criteria: ACMG Guidelines, 2015. Collection method: clinical testing. Allele origin: germline. Affected: no.

Labcorp Genetics (formerly Invitae), Labcorp
Classification: Uncertain significance for Neurofibromatosis, type 1. Last evaluated: 2021-02-19. Review status: criteria provided, single submitter. Criteria: Invitae Variant Classification Sherloc (09022015). Collection method: clinical testing. Allele origin: germline.
Comment: This variant is not present in population databases (ExAC no frequency). This sequence change replaces glutamine with histidine at codon 452 of the NF1 protein (p.Gln452His). The glutamine residue is highly conserved and there is a small physicochemical difference between glutamine and histidine. This variant has been observed in individual(s) with breast cancer (PMID: 30287823). ClinVar contains an entry for this variant (Variation ID: 480174). Algorithms developed to predict the effect of missense changes on protein structure and function are either unavailable or do not agree on the potential impact of this missense change (SIFT: "Tolerated"; PolyPhen-2: "Probably Damaging"; Align-GVGD: "Class C0"). In summary, the available evidence is currently insufficient to determine the role of this variant in disease. Therefore, it has been classified as a Variant of Uncertain Significance.

Ambry Genetics
Classification: Uncertain significance for Cardiovascular phenotype; Hereditary cancer-predisposing syndrome. Last evaluated: 2016-11-10. Review status: criteria provided, single submitter. Criteria: Ambry Variant Classification Scheme 2023. Collection method: clinical testing. Allele origin: germline.
Comment: The p.Q452H variant (also known as c.1356A>C), located in coding exon 12 of the NF1 gene, results from an A to C substitution at nucleotide position 1356. The glutamine at codon 452 is replaced by histidine, an amino acid with highly similar properties. This variant was not reported in population based cohorts in the following databases: Database of Single Nucleotide Polymorphisms (dbSNP), NHLBI Exome Sequencing Project (ESP), and 1000 Genomes Project. In the ESP, this variant was not observed in 6503 samples (13006 alleles) with coverage at this position. To date, this alteration has been detected with an allele frequency of approximately 0.001% (greater than 175000 alleles tested) in our clinical cohort. This amino acid position is highly conserved in available vertebrate species. In addition, this alteration is predicted to be deleterious by in silico analysis. Since supporting evidence is limited at this time, the clinical significance of this alteration remains unclear.

Literature cited by the submitters: PubMed 30287823 (cited by Labcorp Genetics (formerly Invitae), Labcorp).